The following is an entry in ClinVar:

NM_001368894.2(PAX6):c.630T>G (p.Asp210Glu)

Gene: PAX6 (paired box 6; minus strand). Cytogenetic location: 11p13.
Variant type: single nucleotide variant.
Coding change: c.630T>G on transcript NM_001368894.2 (MANE Select); coding-DNA position 630, T replaced by G.
Protein change: p.Asp210Glu; replaces aspartic acid 210 with glutamic acid.
Molecular consequence: missense variant. On other transcripts: 5 prime UTR variant (1), non-coding transcript variant (2).
Genome position (GRCh38, 1-based): chr11:31,794,724, A>C on the plus strand (T>G on the coding strand, the complement: PAX6 is on the minus strand). VCF-style: chr11-31794724-A-C. GRCh37 (hg19) VCF-style: chr11-31816272-A-C.
Other names: c.588T>G, p.Asp196Glu (NM_001368887.2, NM_001368888.2, NM_001368889.2 and 10 more transcripts); c.630T>G, p.Asp210Glu (NM_001368892.2, NM_001368893.2, NM_001368912.2 and 6 more transcripts); c.180T>G, p.Asp60Glu (NM_001368899.2, NM_001368900.2, NM_001310160.2 and 11 more transcripts); c.831T>G, p.Asp277Glu (NM_001368910.2); c.633T>G, p.Asp211Glu (NM_001368911.2); c.705T>G, p.Asp235Glu (NM_001368918.2, NM_001368919.2); c.663T>G, p.Asp221Glu (NM_001368920.2); c.429T>G, p.Asp143Glu (NM_001368921.2, NM_001368922.2, NM_001368923.2 and 4 more transcripts); and 2 more; short protein forms D129E, D143E, D196E, D210E, D211E, D221E, D235E, D277E.
Identifiers: ClinVar variation 2641700 (VCV002641700.27), dbSNP rs3026383, ClinGen allele CA5933837.

ClinVar aggregate classification (germline): Uncertain significance. Review status: criteria provided, multiple submitters, no conflicts (2 of 4 stars). 2 submissions from 2 submitters: Uncertain significance (2). Last evaluated 2023-01-19.

Conditions:
Aniridia 1 (AN1). Identifiers: Orphanet 250923, MedGen C0344542, MONDO:0024507, OMIM 106210.
Irido-corneo-trabecular dysgenesis (ASGD5). Also called: ANTERIOR SEGMENT DYSGENESIS 5. Identifiers: Orphanet 708, MedGen C0344559, MONDO:0011414, OMIM 604229, HP:0000659.

Allele frequency attached by ClinVar (database versions not stated): ExAC 0.00002; 1000 Genomes Project 0.00040; 1000 Genomes Project 30x 0.00047.
gnomAD v4.1: 2 of 1,614,118 alleles (0.00012%); highest among the groups gnomAD compares: Admixed American, 0.0033%; 1 homozygote.

Submissions (2):

Labcorp Genetics (formerly Invitae), Labcorp
Classification: Uncertain significance for Aniridia 1; Irido-corneo-trabecular dysgenesis. Last evaluated: 2023-01-19. Review status: criteria provided, single submitter. Criteria: Invitae Variant Classification Sherloc (09022015). Collection method: clinical testing. Allele origin: germline.
Comment: This variant is present in population databases (rs3026383, gnomAD 0.006%), including at least one homozygous and/or hemizygous individual. This sequence change replaces aspartic acid, which is acidic and polar, with glutamic acid, which is acidic and polar, at codon 196 of the PAX6 protein (p.Asp196Glu). This variant has not been reported in the literature in individuals affected with PAX6-related conditions. In summary, the available evidence is currently insufficient to determine the role of this variant in disease. Therefore, it has been classified as a Variant of Uncertain Significance. Advanced modeling of protein sequence and biophysical properties (such as structural, functional, and spatial information, amino acid conservation, physicochemical variation, residue mobility, and thermodynamic stability) performed at Invitae indicates that this missense variant is not expected to disrupt PAX6 protein function.

CeGaT Center for Human Genetics Tuebingen
Classification: Uncertain significance. Last evaluated: 2022-03-01. Review status: criteria provided, single submitter. Criteria: CeGaT Center For Human Genetics Tuebingen Variant Classification Criteria Version 2. Collection method: clinical testing. Allele origin: germline. Affected: yes. Observed: 1 variant allele.
Comment: PAX6: PM2, PP3